The following is an entry in ClinVar:

ClinVar aggregate classification (germline): Pathogenic/Likely pathogenic. Review status: criteria provided, multiple submitters, no conflicts (2 of 4 stars). 6 submissions from 6 submitters: Pathogenic (4); Likely pathogenic (2). Last evaluated 2025-10-05.

Conditions:
Lamellar ichthyosis. Identifiers: Orphanet 313, MedGen C5848247, MONDO:0017778.
Treacher Collins syndrome 1 (TCS1). Also called: TCOF1-Related Treacher Collins Syndrome. Identifiers: Orphanet 861, MedGen CN315775, MONDO:0007944, OMIM 154500.
Autosomal recessive congenital ichthyosis 1 (LI1). Also called: ICHTHYOSIS, CONGENITAL, AUTOSOMAL RECESSIVE 1, WITH BATHING SUIT DISTRIBUTION; ICHTHYOSIS, CONGENITAL, AUTOSOMAL RECESSIVE 1, WITH OR WITHOUT BATHING SUIT DISTRIBUTION; LAMELLAR EXFOLIATION OF NEWBORN; COLLODION FETUS; DESQUAMATION OF NEWBORN; ICHTHYOSIS CONGENITA. Identifiers: MedGen C4551630, MONDO:0009441, OMIM 242300.

Allele frequency attached by ClinVar (database versions not stated): gnomAD 0.00001 and 0.00003; gnomAD exomes 0.00002 and 0.00003; TOPMed 0.00002; ExAC 0.00004.
gnomAD v4.1: 27 of 1,614,068 alleles (0.0017%); highest among the groups gnomAD compares: Middle Eastern, 0.016%; no homozygotes.

Submissions (6):

Labcorp Genetics (formerly Invitae), Labcorp
Classification: Pathogenic. Last evaluated: 2025-10-05. Review status: criteria provided, single submitter. Criteria: Invitae Variant Classification Sherloc (09022015). Collection method: clinical testing. Allele origin: germline.
Comment: This sequence change replaces arginine, which is basic and polar, with glutamine, which is neutral and polar, at codon 264 of the TGM1 protein (p.Arg264Gln). This variant is present in population databases (rs781006633, gnomAD 0.02%). This missense change has been observed in individual(s) with congenital ichthyosis (PMID: 16968736, 30950025). In at least one individual the data is consistent with being in trans (on the opposite chromosome) from a pathogenic variant. ClinVar contains an entry for this variant (Variation ID: 312984). Invitae Evidence Modeling of protein sequence and biophysical properties (such as structural, functional, and spatial information, amino acid conservation, physicochemical variation, residue mobility, and thermodynamic stability) indicates that this missense variant is expected to disrupt TGM1 protein function with a positive predictive value of 95%. Experimental studies have shown that this missense change affects TGM1 function (PMID: 19212342). This variant disrupts the p.Arg264 amino acid residue in TGM1. Other variant(s) that disrupt this residue have been determined to be pathogenic (PMID: 16968736, 27025581, 28403434). This suggests that this residue is clinically significant, and that variants that disrupt this residue are likely to be disease-causing. For these reasons, this variant has been classified as Pathogenic.

First Genomix Gene Laboratory, Genetic Diagnostics Department
Classification: Pathogenic for Autosomal recessive congenital ichthyosis 1. Last evaluated: 2025-09-15. Review status: criteria provided, single submitter. Criteria: ACMG Guidelines, 2015. Collection method: clinical testing. Allele origin: germline. Inheritance: Autosomal recessive inheritance. Affected: no. Observed: 1 variant allele.

Johns Hopkins Genomics, Johns Hopkins University
Classification: Pathogenic for Treacher Collins syndrome 1. Last evaluated: 2025-06-26. Review status: criteria provided, single submitter. Criteria: ACMG Guidelines, 2015. Collection method: clinical testing. Allele origin: germline.
Comment: This TGM1 variant has been reported in the literature in the compound heterozygous state in multiple individuals with features of autosomal recessive congenital ichthyosis. It (rs781006633) is rare (<0.1%) in a large population dataset (gnomADv4.1.0: 27/1614068 total alleles, 0.0017%; no homozygous) and has been reported in ClinVar (Variation ID: 312984). This missense variant was experimentally shown to reduce TGM1 protein activities and the arginine at this position is evolutionary conserved across most species assessed. We consider TGM1 c.791G>A to be pathogenic.

GeneDx
Classification: Pathogenic. Last evaluated: 2024-08-12. Review status: criteria provided, single submitter. Criteria: GeneDx Variant Classification Process June 2021. Collection method: clinical testing. Allele origin: germline. Affected: yes.
Comment: Reported with a second TGM1 variant, phase unknown, in a patient with congenital ichthyosis (PMID: 16968736); Published functional studies demonstrate diminished TGM1 enzyme activity (PMID: 19212342); In silico analysis supports that this missense variant has a deleterious effect on protein structure/function; This variant is associated with the following publications: (PMID: 34426522, 27025581, 34671977, 28403434, 30950025, 36262015, 19212342, 16968736)

Women's Health and Genetics/Laboratory Corporation of America, LabCorp
Classification: Likely pathogenic for Lamellar ichthyosis. Last evaluated: 2023-07-27. Review status: criteria provided, single submitter. Criteria: LabCorp Variant Classification Summary - May 2015. Collection method: clinical testing. Allele origin: germline.
Comment: Variant summary: TGM1 c.791G>A (p.Arg264Gln) results in a conservative amino acid change in the encoded protein sequence. Four of five in-silico tools predict a damaging effect of the variant on protein function. The variant allele was found at a frequency of 2.8e-05 in 251452 control chromosomes (gnomAD). c.791G>A has been reported in the literature as a compound heterozygous genotype in individuals affected with Lamellar Ichthyosis, including at least one case where it was confirmed to be in trans with a pathogenic variant (e.g. Oji_2006, Hu_2019). These data indicate that the variant may be associated with disease. At least one publication reports experimental evidence evaluating an impact on protein function and found the variant results in <10% of normal activity and exhibits a slight improvement in activity at decreased temperatures (approximately 15% of WT at 31C) (Aufenvenne_2009). The following publications have been ascertained in the context of this evaluation (PMID: 19212342, 30950025, 16968736). Two submitters have cited clinical-significance assessments for this variant to ClinVar after 2014. One submitter classified the variant as likely pathogenic, and one submitter classified the variant as uncertain significance. Based on the evidence outlined above, the variant was classified as likely pathogenic.

Juno Genomics, Hangzhou Juno Genomics, Inc
Classification: Likely pathogenic for Autosomal recessive congenital ichthyosis 1. Review status: criteria provided, single submitter. Criteria: ACMG Guidelines, 2015. Collection method: clinical testing. Allele origin: germline.
Comment: Absent from controls (or at extremely low frequency if recessive) in Genome Aggregation Database.;Novel missense change at an amino acid residue where a different missense change determined to be pathogenic has been seen before.;Well-established in vitro or in vivo functional studies supportive of a damaging effect on the gene or gene product.;For recessive disorders, detected in trans with a pathogenic variant.;Patient's phenotype or family history is highly specific for a disease with a single genetic etiology.

Literature cited by the submitters: PubMed 16968736 (cited by 3 submitters); PubMed 30950025 (cited by 3 submitters); PubMed 19212342 (cited by 3 submitters); PubMed 27025581 (cited by Labcorp Genetics (formerly Invitae), Labcorp); PubMed 28403434 (cited by Labcorp Genetics (formerly Invitae), Labcorp and Johns Hopkins Genomics, Johns Hopkins University); PubMed 19241467 (cited by Johns Hopkins Genomics, Johns Hopkins University); PubMed 19500103 (cited by Johns Hopkins Genomics, Johns Hopkins University); PubMed 36262015 (cited by Johns Hopkins Genomics, Johns Hopkins University); PubMed 7824952 (cited by Johns Hopkins Genomics, Johns Hopkins University).

NM_000359.3(TGM1):c.791G>A (p.Arg264Gln)

Gene: TGM1 (transglutaminase 1; minus strand). Cytogenetic location: 14q12.
Variant type: single nucleotide variant.
Coding change: c.791G>A on transcript NM_000359.3 (MANE Select); coding-DNA position 791, G replaced by A.
Protein change: p.Arg264Gln; replaces arginine 264 with glutamine.
Molecular consequence: missense variant.
Genome position (GRCh38, 1-based): chr14:24,260,025, C>T on the plus strand (G>A on the coding strand, the complement: TGM1 is on the minus strand). VCF-style: chr14-24260025-C-T. GRCh37 (hg19) VCF-style: chr14-24729231-C-T.
Other names: short protein forms R264Q.
Identifiers: ClinVar variation 312984 (VCV000312984.20), dbSNP rs781006633, ClinGen allele CA7131282.